The following is an entry in ClinVar:

ClinVar aggregate classification (germline): Uncertain significance. Review status: criteria provided, multiple submitters, no conflicts (2 of 4 stars). 2 submissions from 2 submitters: Uncertain significance (2). Last evaluated 2024-07-24.

Submissions (2):

GeneDx
Classification: Uncertain significance. Last evaluated: 2024-07-24. Review status: criteria provided, single submitter. Criteria: GeneDx Variant Classification Process June 2021. Collection method: clinical testing. Allele origin: germline. Affected: yes.
Comment: Not observed at significant frequency in large population cohorts (gnomAD); In silico analysis indicates that this missense variant does not alter protein structure/function; Has not been previously published as pathogenic or benign to our knowledge

Labcorp Genetics (formerly Invitae), Labcorp
Classification: Uncertain significance. Last evaluated: 2023-09-10. Review status: criteria provided, single submitter. Criteria: Invitae Variant Classification Sherloc (09022015). Collection method: clinical testing. Allele origin: germline.
Comment: In summary, the available evidence is currently insufficient to determine the role of this variant in disease. Therefore, it has been classified as a Variant of Uncertain Significance. Advanced modeling of protein sequence and biophysical properties (such as structural, functional, and spatial information, amino acid conservation, physicochemical variation, residue mobility, and thermodynamic stability) has been performed at Invitae for this missense variant, however the output from this modeling did not meet the statistical confidence thresholds required to predict the impact of this variant on CLCN4 protein function. ClinVar contains an entry for this variant (Variation ID: 1719141). This variant has not been reported in the literature in individuals affected with CLCN4-related conditions. This variant is not present in population databases (gnomAD no frequency). This sequence change replaces glutamine, which is neutral and polar, with histidine, which is basic and polar, at codon 142 of the CLCN4 protein (p.Gln142His).

NM_001830.4(CLCN4):c.426G>T (p.Gln142His)

Gene: CLCN4 (chloride voltage-gated channel 4; plus strand). Cytogenetic location: Xp22.2.
Variant type: single nucleotide variant.
Coding change: c.426G>T on transcript NM_001830.4 (MANE Select); coding-DNA position 426, G replaced by T.
Protein change: p.Gln142His; replaces glutamine 142 with histidine.
Molecular consequence: missense variant.
Genome position (GRCh38, 1-based): chrX:10,195,092, G>T. VCF-style: chrX-10195092-G-T. GRCh37 (hg19) VCF-style: chrX-10163132-G-T.
Other names: c.144G>T, p.Gln48His (NM_001256944.2); c.426G>T (NM_001830.3); short protein forms Q142H, Q48H.
Identifiers: ClinVar variation 1719141 (VCV001719141.6), dbSNP rs1924062364, ClinGen allele CA412034414.